The following is an entry in ClinVar:

NM_002734.5(PRKAR1A):c.19G>A (p.Ala7Thr)

Gene: PRKAR1A (protein kinase cAMP-dependent type I regulatory subunit alpha; plus strand). Cytogenetic location: 17q24.2.
Variant type: single nucleotide variant.
Coding change: c.19G>A on transcript NM_002734.5 (MANE Select); coding-DNA position 19, G replaced by A.
Protein change: p.Ala7Thr; replaces alanine 7 with threonine.
Molecular consequence: missense variant.
Genome position (GRCh38, 1-based): chr17:68,515,418, G>A. VCF-style: chr17-68515418-G-A. GRCh37 (hg19) VCF-style: chr17-66511559-G-A.
Other names: c.19G>A, p.Ala7Thr (NM_001276289.2, NM_001276290.1, NM_001278433.2 and 4 more transcripts); short protein forms A7T.
Identifiers: ClinVar variation 486163 (VCV000486163.18), dbSNP rs369210646, ClinGen allele CA8729138.
Genomic context (GRCh38, chr17:68,515,418, plus strand): 5'-AGTTTATACAAGCATGTGTGTGTTTTTTTCTCGCAGAGAACCATGGAGTCTGGCAGTACC[G>A]CCGCCAGTGAGGAGGCACGCAGCCTTCGAGAATGTGAGCTCTACGTCCAGAAGCATAACA-3'
Protein context (NP_002725.1, residues 1-17): MESGST[Ala7Thr]ASEEARSLRE

ClinVar aggregate classification (germline): Conflicting classifications of pathogenicity. Review status: criteria provided, conflicting classifications (1 of 4 stars). 4 submissions from 4 submitters: Uncertain significance (1); Benign (1); Likely benign (2). Last evaluated 2026-01-16.

Conditions:
Carney complex, type 1 (CNC1). Also called: CARNEY MYXOMA-ENDOCRINE COMPLEX; CARNEY COMPLEX, TYPE I. Identifiers: Orphanet 1359, MedGen C2607929, MONDO:0008057, OMIM 160980.
Hereditary cancer-predisposing syndrome. Also called: Tumor predisposition; Hereditary Cancer Syndrome; Hereditary neoplastic syndrome; Neoplastic Syndromes, Hereditary. Identifiers: Orphanet 140162, MedGen C0027672, MeSH D009386, MONDO:0015356.

Allele frequency attached by ClinVar (database versions not stated): TOPMed 0.00002; gnomAD 0.00003 and 0.00005; gnomAD exomes 0.00003 and 0.00006; ExAC 0.00005; ESP Exome Variant Server 0.00008.

Submissions (4):

Labcorp Genetics (formerly Invitae), Labcorp
Classification: Likely benign for Carney complex, type 1. Last evaluated: 2026-01-16. Review status: criteria provided, single submitter. Criteria: Invitae Variant Classification Sherloc (09022015). Collection method: clinical testing. Allele origin: germline.

Ambry Genetics
Classification: Benign for Hereditary cancer-predisposing syndrome. Last evaluated: 2023-10-31. Review status: criteria provided, single submitter. Criteria: Ambry Variant Classification Scheme 2023. Collection method: clinical testing. Allele origin: germline.

GeneDx
Classification: Uncertain significance. Last evaluated: 2023-10-27. Review status: criteria provided, single submitter. Criteria: GeneDx Variant Classification Process June 2021. Collection method: clinical testing. Allele origin: germline. Affected: yes.
Comment: In silico analysis supports that this missense variant does not alter protein structure/function; Has not been previously published as pathogenic or benign to our knowledge

Women's Health and Genetics/Laboratory Corporation of America, LabCorp
Classification: Likely benign. Last evaluated: 2022-07-31. Review status: criteria provided, single submitter. Criteria: LabCorp Variant Classification Summary - May 2015. Collection method: clinical testing. Allele origin: germline.